The following is an entry in ClinVar:

NM_001267550.2(TTN):c.84856G>C (p.Gly28286Arg)

Genes: TTN (titin; minus strand), TTN-AS1 (TTN antisense RNA 1; plus strand). Cytogenetic location: 2q31.2.
Variant type: single nucleotide variant.
Coding change: c.84856G>C on transcript NM_001267550.2 (MANE Select); coding-DNA position 84856, G replaced by C.
Protein change: p.Gly28286Arg; replaces glycine 28286 with arginine.
Molecular consequence: missense variant.
Genome position (GRCh38, 1-based): chr2:178,561,276, C>G on the plus strand (G>C on the coding strand, the complement: TTN is on the minus strand). VCF-style: chr2-178561276-C-G. GRCh37 (hg19) VCF-style: chr2-179426003-C-G.
Other names: c.79933G>C, p.Gly26645Arg (NM_001256850.1); c.57661G>C, p.Gly19221Arg (NM_003319.4); c.77152G>C, p.Gly25718Arg (NM_133378.4); c.58036G>C, p.Gly19346Arg (NM_133432.3); c.58237G>C, p.Gly19413Arg (NM_133437.4); short protein forms G25718R, G26645R, G19221R, G19413R, G19346R, G28286R.
Identifiers: ClinVar variation 1749507 (VCV001749507.6), dbSNP rs553949797, ClinGen allele CA1988730.
Genomic context (GRCh38, chr2:178,561,276, plus strand): 5'-TAGTATAATTGCACTTCAGCCACCGGCCATCTGGTAGTTCTCTGCGTTCAACAATGTATC[C>G]TGTGATCTTAGCTCCACCATCATAATGTGGTTTAGACCATTTAAGTGACACTGATTTTCT-3'
Protein context (NP_001254479.2, residues 28276-28296): PHYDGGAKIT[Gly28286Arg]YIVERRELPD

ClinVar aggregate classification (germline): Uncertain significance. Review status: criteria provided, multiple submitters, no conflicts (2 of 4 stars). 3 submissions from 3 submitters: Uncertain significance (3). Last evaluated 2025-07-23.

Conditions:
TTN-related disorder. Also called: TTN-related disorders; TTN-related condition; TTN-related disease.
Cardiovascular phenotype. Identifiers: MedGen CN230736.

Allele frequency attached by ClinVar (database versions not stated): ExAC 0.00001; gnomAD exomes 0.00001; gnomAD 0.00005; TOPMed 0.00006; 1000 Genomes Project 30x 0.00016; 1000 Genomes Project 0.00020.
gnomAD v4.1: 16 of 1,613,782 alleles (0.00099%); highest among the groups gnomAD compares: African/African-American, 0.02%; no homozygotes.

Submissions (3):

PreventionGenetics, part of Exact Sciences
Classification: Uncertain significance for TTN-related condition. Last evaluated: 2025-07-23. Review status: criteria provided, single submitter. Criteria: ACMG Guidelines, 2015. Collection method: clinical testing. Allele origin: germline.
Comment: The TTN c.84856G>C variant is predicted to result in the amino acid substitution p.Gly28286Arg. To our knowledge, this variant has not been reported in the literature. This variant is reported in 0.029% of alleles in individuals of African descent in gnomAD. At this time, the clinical significance of this variant is uncertain due to the absence of conclusive functional and genetic evidence.

Ambry Genetics
Classification: Uncertain significance for Cardiovascular phenotype. Last evaluated: 2019-12-05. Review status: criteria provided, single submitter. Criteria: Ambry Variant Classification Scheme 2023. Collection method: clinical testing. Allele origin: germline.
Comment: The p.G19221R variant (also known as c.57661G>C), located in coding exon 153 of the TTN gene, results from a G to C substitution at nucleotide position 57661. The glycine at codon 19221 is replaced by arginine, an amino acid with dissimilar properties. This amino acid position is highly conserved in available vertebrate species. In addition, the in silico prediction for this alteration is inconclusive. Since supporting evidence is limited at this time, the clinical significance of this alteration remains unclear.

Revvity Omics, Revvity
Classification: Uncertain significance. Last evaluated: 2019-08-02. Review status: criteria provided, single submitter. Criteria: ACMG Guidelines, 2015. Collection method: clinical testing. Allele origin: germline.